The following is an entry in ClinVar:

NM_001368894.2(PAX6):c.243A>G (p.Arg81=)

Gene: PAX6 (paired box 6; minus strand). Cytogenetic location: 11p13.
Variant type: single nucleotide variant.
Coding change: c.243A>G on transcript NM_001368894.2 (MANE Select); coding-DNA position 243, A replaced by G.
Protein change: p.Arg81=; no amino-acid change (arginine 81 retained).
Molecular consequence: synonymous variant. On other transcripts: intron variant (8), 5 prime UTR variant (14), non-coding transcript variant (2).
Genome position (GRCh38, 1-based): chr11:31,801,717, T>C on the plus strand (A>G on the coding strand, the complement: PAX6 is on the minus strand). VCF-style: chr11-31801717-T-C. GRCh37 (hg19) VCF-style: chr11-31823265-T-C.
Other names: c.198+45A>G (NM_001368925.2, NM_001368924.2, NM_001368921.2 and 4 more transcripts); c.201A>G, p.Arg67= (NM_000280.6, NM_001127612.3, NM_001258464.2 and 10 more transcripts); c.243A>G, p.Arg81= (NM_001258462.3, NM_001258463.2, NM_001310158.2 and 6 more transcripts); c.-539A>G (NM_001310160.2, NM_001368902.2, NM_001368905.2); c.-208A>G (NM_001310161.3, NM_001368899.2, NM_001368900.2 and 8 more transcripts); c.444A>G, p.Arg148= (NM_001368910.2); c.246A>G, p.Arg82= (NM_001368911.2); c.318A>G, p.Arg106= (NM_001368918.2, NM_001368919.2); and 3 more.
Identifiers: ClinVar variation 1609781 (VCV001609781.9), dbSNP rs771974160, ClinGen allele CA5933930.

ClinVar aggregate classification (germline): Benign/Likely benign. Review status: criteria provided, multiple submitters, no conflicts (2 of 4 stars). 2 submissions from 2 submitters: Benign (1); Likely benign (1). Last evaluated 2026-09-02.

Conditions:
PAX6-related disorder. Also called: PAX6-related disorders; PAX6-related condition.
Aniridia 1 (AN1). Identifiers: Orphanet 250923, MedGen C0344542, MONDO:0024507, OMIM 106210.
Irido-corneo-trabecular dysgenesis (ASGD5). Also called: ANTERIOR SEGMENT DYSGENESIS 5. Identifiers: Orphanet 708, MedGen C0344559, MONDO:0011414, OMIM 604229, HP:0000659.

Allele frequency attached by ClinVar (database versions not stated): gnomAD 0.00001; gnomAD exomes 0.00002 and 0.00008; ExAC 0.00008; TOPMed 0.00009.
gnomAD v4.1: 32 of 1,614,074 alleles (0.002%); highest among the groups gnomAD compares: East Asian, 0.053%; no homozygotes.

Submissions (2):

PreventionGenetics, part of Exact Sciences
Classification: Likely benign for PAX6-related condition. Last evaluated: 2026-09-02. Review status: criteria provided, single submitter. Criteria: ACMG Guidelines, 2015. Collection method: clinical testing. Allele origin: germline.
Comment: This variant is classified as likely benign based on ACMG/AMP sequence variant interpretation guidelines (Richards et al. 2015 PMID: 25741868, with internal and published modifications).

Labcorp Genetics (formerly Invitae), Labcorp
Classification: Benign for Aniridia 1; Irido-corneo-trabecular dysgenesis. Last evaluated: 2024-05-23. Review status: criteria provided, single submitter. Criteria: Invitae Variant Classification Sherloc (09022015). Collection method: clinical testing. Allele origin: germline.